The following is an entry in ClinVar:

ClinVar aggregate classification (germline): Pathogenic/Likely pathogenic. Review status: criteria provided, multiple submitters, no conflicts (2 of 4 stars). 2 submissions from 2 submitters: Pathogenic (1); Likely pathogenic (1). Last evaluated 2024-02-09.

Conditions:
Hereditary cancer-predisposing syndrome. Also called: Tumor predisposition; Hereditary neoplastic syndrome; Hereditary Cancer Syndrome; Neoplastic Syndromes, Hereditary. Identifiers: Orphanet 140162, MedGen C0027672, MeSH D009386, MONDO:0015356.

Submissions (2):

Ambry Genetics
Classification: Pathogenic for Hereditary cancer-predisposing syndrome. Last evaluated: 2024-02-09. Review status: criteria provided, single submitter. Criteria: Ambry Variant Classification Scheme 2023. Collection method: clinical testing. Allele origin: germline.
Comment: The c.5049_5053delGACTT pathogenic mutation, located in coding exon 10 of the BRCA2 gene, results from a deletion of 5 nucleotides at nucleotide positions 5049 to 5053, causing a translational frameshift with a predicted alternate stop codon (p.Q1683Hfs*4). This variant is considered to be rare based on population cohorts in the Genome Aggregation Database (gnomAD). This alteration is expected to result in loss of function by premature protein truncation or nonsense-mediated mRNA decay. As such, this alteration is interpreted as a disease-causing mutation.

Color Diagnostics, LLC DBA Color Health
Classification: Likely pathogenic for Hereditary cancer-predisposing syndrome. Last evaluated: 2020-10-26. Review status: criteria provided, single submitter. Criteria: ACMG Guidelines, 2015. Collection method: clinical testing. Allele origin: germline.
Comment: This variant deletes 5 nucleotides in exon 11 of the BRCA2 gene, creating a frameshift and premature translation stop signal. This variant is expected to result in an absent or non-functional protein product. To our knowledge, this variant has not been reported in individuals affected with hereditary cancer in the literature. This variant has not been identified in the general population by the Genome Aggregation Database (gnomAD). Loss of BRCA2 function is a known mechanism of disease. Based on the available evidence, this variant is classified as Likely Pathogenic.

NM_000059.4(BRCA2):c.5049_5053del (p.Gln1683fs)

Gene: BRCA2 (BRCA2 DNA repair associated; plus strand). Cytogenetic location: 13q13.1.
Variant type: Deletion.
Coding change: c.5049_5053del on transcript NM_000059.4 (MANE Select); coding-DNA positions 5049 to 5053, 5 bases deleted (GACTT; older notation c.5049_5053delGACTT).
Protein change: p.Gln1683fs; shifts the reading frame from glutamine 1683.
Molecular consequence: frameshift variant.
Genome position (GRCh38, 1-based): chr13:32,339,404-32,339,408, GACTT deleted. VCF-style (leftmost placement, unchanged base first): chr13-32339403-AGACTT-A. GRCh37 (hg19) VCF-style: chr13-32913540-AGACTT-A.
Other names: c.5049_5053delGACTT (NM_000059.3); short protein forms Q1683fs.
Identifiers: ClinVar variation 1171570 (VCV001171570.3), dbSNP rs2137513400, ClinGen allele CA2499222185.
Genomic context (GRCh38, chr13:32,339,403, plus strand): 5'-TCATTGAAAATTCAGCCTTAGCTTTTTACACAAGTTGTAGTAGAAAAACTTCTGTGAGTC[AGACTT>A]CATTACTTGAAGCAAAAAAATGGCTTAGAGAAGGAATATTTGATGGTCAACCAGAAAGAA-3'